The following is an entry in ClinVar:

ClinVar aggregate classification (germline): Likely benign. Review status: criteria provided, multiple submitters, no conflicts (2 of 4 stars). 4 submissions from 4 submitters: Likely benign (4). Last evaluated 2026-06-01.

Conditions:
Cholestanol storage disease (CTX). Also called: CEREBRAL CHOLESTERINOSIS; Cerebrotendinous Xanthomatosis; CTX: Cerebrotendinous xanthomatosis. Identifiers: Orphanet 909, MedGen C0238052, MONDO:0008948, OMIM 213700.
Cardiovascular phenotype. Identifiers: MedGen CN230736.

Allele frequency attached by ClinVar (database versions not stated): TOPMed 0.00002; gnomAD 0.00005; gnomAD exomes 0.00007; ExAC 0.00008; ESP Exome Variant Server 0.00008; 1000 Genomes Project 30x 0.00016; 1000 Genomes Project 0.00020.
gnomAD v4.1: 190 of 1,614,210 alleles (0.012%); highest among the groups gnomAD compares: Middle Eastern, 0.016%; no homozygotes.

Submissions (4):

CeGaT Center for Human Genetics Tuebingen
Classification: Likely benign. Last evaluated: 2026-06-01. Review status: criteria provided, single submitter. Criteria: CeGaT Center For Human Genetics Tuebingen Variant Classification Criteria Version 2. Collection method: clinical testing. Allele origin: germline. Affected: yes. Observed: 2 variant alleles.
Comment: CYP27A1: BP4, BP7

Labcorp Genetics (formerly Invitae), Labcorp
Classification: Likely benign for Cholestanol storage disease. Last evaluated: 2026-01-24. Review status: criteria provided, single submitter. Criteria: Invitae Variant Classification Sherloc (09022015). Collection method: clinical testing. Allele origin: germline.

Blueprint Genetics
Classification: Likely benign. Last evaluated: 2024-10-03. Review status: criteria provided, single submitter. Criteria: ACMG Guidelines, 2015. Collection method: clinical testing. Allele origin: germline.

Ambry Genetics
Classification: Likely benign for Cardiovascular phenotype. Last evaluated: 2022-06-06. Review status: criteria provided, single submitter. Criteria: Ambry Variant Classification Scheme 2023. Collection method: clinical testing. Allele origin: germline.

NM_000784.4(CYP27A1):c.711C>T (p.Thr237=)

Gene: CYP27A1 (cytochrome P450 family 27 subfamily A member 1; plus strand). Cytogenetic location: 2q35.
Variant type: single nucleotide variant.
Coding change: c.711C>T on transcript NM_000784.4 (MANE Select); coding-DNA position 711, C replaced by T.
Protein change: p.Thr237=; no amino-acid change (threonine 237 retained).
Molecular consequence: synonymous variant.
Genome position (GRCh38, 1-based): chr2:218,812,616, C>T. VCF-style: chr2-218812616-C-T. GRCh37 (hg19) VCF-style: chr2-219677339-C-T.
Identifiers: ClinVar variation 758902 (VCV000758902.50), dbSNP rs375163463, ClinGen allele CA2112701.